The following is an entry in ClinVar:

NM_000551.4(VHL):c.340+804G>C

Genes: VHL (von Hippel-Lindau tumor suppressor; plus strand), LOC107303340 (3p25 von Hippel-Lindau tumor suppressor, E3 ubiquitin protein ligase Alu-mediated recombination region; plus strand). Cytogenetic location: 3p25.3.
Variant type: single nucleotide variant.
Coding change: c.340+804G>C on transcript NM_000551.4 (MANE Select); 804 bases into the intron after coding-DNA position 340, G replaced by C.
Molecular consequence: intron variant. On other transcripts: missense variant (1).
Genome position (GRCh38, 1-based): chr3:10,142,991, G>C. VCF-style: chr3-10142991-G-C. GRCh37 (hg19) VCF-style: chr3-10184675-G-C.
Other names: c.569G>C, p.Ser190Thr (NM_001354723.2); c.340+804G>C (NM_198156.3); short protein forms S190T.
Identifiers: ClinVar variation 1051126 (VCV001051126.11), dbSNP rs1696164389, ClinGen allele CA1345067569.

ClinVar aggregate classification (germline): Uncertain significance (1 of 4 stars; one submission).

Conditions:
Chuvash polycythemia. Also called: POLYCYTHEMIA, VHL-DEPENDENT. Identifiers: Orphanet 238557, MedGen C1837915, MONDO:0009892, OMIM 263400.
Von Hippel-Lindau syndrome (VHLS). Also called: Von Hippel-Lindau; von Hippel–Lindau syndrome; VHL syndrome. Identifiers: Orphanet 892, MedGen C0019562, MONDO:0008667, OMIM 193300. Disease mechanism: loss of function.

Allele frequency attached by ClinVar (database versions not stated): TOPMed below 0.00001.

Submission:

Labcorp Genetics (formerly Invitae), Labcorp
Classification: Uncertain significance for Von Hippel-Lindau syndrome; Chuvash polycythemia. Last evaluated: 2025-12-10. Review status: criteria provided, single submitter. Criteria: Invitae Variant Classification Sherloc (09022015). Collection method: clinical testing. Allele origin: germline.
Comment: This sequence change falls in intron 1 of the VHL gene. It is not expected to change the encoded amino acid sequence of the VHL protein. However, this sequence change falls within a cryptic exon in the VHL gene, known as exon E1’, which is naturally expressed at low levels in several human tissues (PMID: 29891534). This variant is not present in population databases (gnomAD no frequency). This variant has not been reported in the literature in individuals affected with VHL-related conditions. ClinVar contains an entry for this variant (Variation ID: 1051126). Studies have shown that this variant is associated with inconclusive levels of altered splicing (internal data). In summary, the available evidence is currently insufficient to determine the role of this variant in disease. Therefore, it has been classified as a Variant of Uncertain Significance.

Literature cited by the submitters: PubMed 29891534.